The following is an entry in ClinVar:

ClinVar aggregate classification (germline): Pathogenic/Likely pathogenic. Review status: criteria provided, multiple submitters, no conflicts (2 of 4 stars). 3 submissions from 3 submitters: Pathogenic (1); Likely pathogenic (2). Last evaluated 2025-10-21.

Conditions:
Nephronophthisis. Also called: Juvenile Nephronophthisis. Identifiers: Orphanet 655, MedGen C0687120, MONDO:0019005, HP:0000090.
Nephronophthisis 1 (NPHP1). Also called: Nephronophthisis familial juvenile. Identifiers: Orphanet 655, Orphanet 93592, MedGen C1855681, MONDO:0009728, OMIM 256100.
Senior-Loken syndrome 1 (SLSN1). Also called: JUVENILE NEPHRONOPHTHISIS WITH LEBER AMAUROSIS. Identifiers: Orphanet 3156, MedGen C4551559, MONDO:0009962, OMIM 266900.
Joubert syndrome with renal defect. Also called: JOUBERT SYNDROME 4. Identifiers: Orphanet 220497, MedGen C1846790, MONDO:0012308, OMIM 609583.

Allele frequency attached by ClinVar (database versions not stated): ExAC 0.00001; gnomAD 0.00001; TOPMed 0.00001; gnomAD exomes below 0.00001.

Submissions (3):

Labcorp Genetics (formerly Invitae), Labcorp
Classification: Pathogenic for Nephronophthisis. Last evaluated: 2025-10-21. Review status: criteria provided, single submitter. Criteria: Invitae Variant Classification Sherloc (09022015). Collection method: clinical testing. Allele origin: germline.
Comment: This sequence change creates a premature translational stop signal (p.Ser129Trpfs*18) in the NPHP1 gene. It is expected to result in an absent or disrupted protein product. Loss-of-function variants in NPHP1 are known to be pathogenic (PMID: 23559409). This variant is present in population databases (rs757139057, gnomAD 0.007%). This premature translational stop signal has been observed in individual(s) with nephronophthisis (PMID: 37230223). ClinVar contains an entry for this variant (Variation ID: 3239952). For these reasons, this variant has been classified as Pathogenic.

Fulgent Genetics
Classification: Likely pathogenic for Nephronophthisis 1; Senior-Loken syndrome 1; Joubert syndrome with renal defect. Last evaluated: 2024-04-01. Review status: criteria provided, single submitter. Criteria: ACMG Guidelines, 2015. Collection method: clinical testing. Allele origin: germline.

Baylor Genetics
Classification: Likely pathogenic for Joubert syndrome with renal defect. Last evaluated: 2023-12-29. Review status: criteria provided, single submitter. Criteria: ACMG Guidelines, 2015. Collection method: clinical testing. Allele origin: unknown.

Literature cited by the submitters: PubMed 23559409 (cited by Labcorp Genetics (formerly Invitae), Labcorp); PubMed 37230223 (cited by Labcorp Genetics (formerly Invitae), Labcorp).

NM_001128178.3(NPHP1):c.385_386del (p.Ser129fs)

Gene: NPHP1 (nephrocystin 1; minus strand). Cytogenetic location: 2q13.
Variant type: Deletion.
Coding change: c.385_386del on transcript NM_001128178.3 (MANE Select); coding-DNA positions 385 to 386, 2 bases deleted (AG; older notation c.385_386delAG).
Protein change: p.Ser129fs; shifts the reading frame from serine 129.
Molecular consequence: frameshift variant.
Genome position (GRCh38, 1-based): chr2:110,169,942-110,169,943, CT deleted on the plus strand (AG on the coding strand, the reverse complement: NPHP1 is on the minus strand). VCF-style (leftmost placement, unchanged base first): chr2-110169941-ACT-A. GRCh37 (hg19) VCF-style: chr2-110927518-ACT-A.
Other names: c.385_386del, p.Ser129fs (NM_000272.5, NM_001374256.1, NM_001374257.1 and 1 more transcripts); c.199_200del, p.Ser67fs (NM_001128179.3); c.385_386del (NM_000272.4); short protein forms S129fs, S67fs.
Identifiers: ClinVar variation 3239952 (VCV003239952.3), dbSNP rs757139057.